The following is an entry in ClinVar:

NM_003998.4(NFKB1):c.1509del (p.Glu504fs)

Gene: NFKB1 (nuclear factor kappa B subunit 1; plus strand). Cytogenetic location: 4q24.
Variant type: Deletion.
Coding change: c.1509del on transcript NM_003998.4 (MANE Select); coding-DNA position 1509, one base deleted (A; older notation c.1509delA).
Protein change: p.Glu504fs; shifts the reading frame from glutamic acid 504.
Molecular consequence: frameshift variant.
Genome position (GRCh38, 1-based): chr4:102,597,533, A deleted. VCF-style (leftmost placement, unchanged base first): chr4-102597532-TA-T. GRCh37 (hg19) VCF-style: chr4-103518689-TA-T.
Other names: c.1506del, p.Glu503fs (NM_001165412.2, NM_001319226.2, NM_001382627.1); c.1509del, p.Glu504fs (NM_001382625.1, NM_001382626.1); c.1467del, p.Glu490fs (NM_001382628.1); short protein forms E490fs, E504fs, E503fs.
Identifiers: ClinVar variation 2048839 (VCV002048839.4), dbSNP rs2476503712, ClinGen allele CA2580071266.

ClinVar aggregate classification (germline): Pathogenic (1 of 4 stars; one submission).

Submission:

Labcorp Genetics (formerly Invitae), Labcorp
Classification: Pathogenic. Last evaluated: 2021-12-19. Review status: criteria provided, single submitter. Criteria: Invitae Variant Classification Sherloc (09022015). Collection method: clinical testing. Allele origin: germline.
Comment: For these reasons, this variant has been classified as Pathogenic. This variant has not been reported in the literature in individuals affected with NFKB1-related conditions. This variant is not present in population databases (gnomAD no frequency). This sequence change creates a premature translational stop signal (p.Glu504Argfs*19) in the NFKB1 gene. It is expected to result in an absent or disrupted protein product. Loss-of-function variants in NFKB1 are known to be pathogenic (PMID: 26279205, 29477724).

Literature cited by the submitters: PubMed 26279205; PubMed 29477724.